The following is an entry in ClinVar:

ClinVar aggregate classification (germline): Uncertain significance. Review status: criteria provided, multiple submitters, no conflicts (2 of 4 stars). 2 submissions from 2 submitters: Uncertain significance (2). Last evaluated 2026-04-27.

Submissions (2):

Women's Health and Genetics/Laboratory Corporation of America, LabCorp
Classification: Uncertain significance. Last evaluated: 2026-04-27. Review status: criteria provided, single submitter. Criteria: LabCorp Variant Classification Summary - May 2015. Collection method: clinical testing. Allele origin: germline.
Comment: Variant summary: IRF3 c.44A>G (p.Gln15Arg) results in a conservative amino acid change in the encoded protein sequence. Algorithms developed to predict the effect of missense changes on protein structure and function are either unavailable or do not agree on the potential impact of this missense change. The variant allele was found at a frequency of 2e-05 in 250664 control chromosomes. The available data on variant occurrences in the general population are insufficient to allow any conclusion about variant significance. To our knowledge, no occurrence of c.44A>G in individuals affected with IRF3-related conditions and no experimental evidence demonstrating its impact on protein function have been reported. ClinVar contains an entry for this variant (Variation ID: 4039562). Based on the evidence outlined above, the variant was classified as uncertain significance.

Ambry Genetics
Classification: Uncertain significance. Last evaluated: 2025-05-28. Review status: criteria provided, single submitter. Criteria: Ambry Variant Classification Scheme 2023. Collection method: clinical testing. Allele origin: germline.

NM_001571.6(IRF3):c.44A>G (p.Gln15Arg)

Gene: IRF3 (interferon regulatory factor 3; minus strand). Cytogenetic location: 19q13.33.
Variant type: single nucleotide variant.
Coding change: c.44A>G on transcript NM_001571.6 (MANE Select); coding-DNA position 44, A replaced by G.
Protein change: p.Gln15Arg; replaces glutamine 15 with arginine.
Molecular consequence: missense variant. On other transcripts: non-coding transcript variant (1), intron variant (5).
Genome position (GRCh38, 1-based): chr19:49,664,795, T>C on the plus strand (A>G on the coding strand, the complement: IRF3 is on the minus strand). VCF-style: chr19-49664795-T-C. GRCh37 (hg19) VCF-style: chr19-50168052-T-C.
Other names: c.44A>G, p.Gln15Arg (NM_001197122.2, NM_001197124.2); c.-102+836A>G (NM_001197128.2, NM_001197126.2); c.-274+836A>G (NM_001197127.2, NM_001197125.2); c.-171-122A>G (NM_001197123.2); short protein forms Q15R.
Identifiers: ClinVar variation 4039562 (VCV004039562.2).
Genomic context (GRCh38, chr19:49,664,795, plus strand): 5'-CGGAAGCGCGTGCGGCTCTTGTTCACCCAGGCCACGCCCTCCAGTTGCCCCAGGTCCAGC[T>C]GCGACACCAGCCAGGGCAGGATCCGTGGCTTTGGGGTTCCCATGGTCCGGCCTGCGCGTA-3'
Protein context (NP_001562.1, residues 5-25): KPRILPWLVS[Gln15Arg]LDLGQLEGVA